The following is an entry in ClinVar:

NM_006019.4(TCIRG1):c.760C>T (p.Leu254Phe)

Gene: TCIRG1 (T cell immune regulator 1, ATPase H+ transporting V0 subunit a3; plus strand). Cytogenetic location: 11q13.2.
Variant type: single nucleotide variant.
Coding change: c.760C>T on transcript NM_006019.4 (MANE Select); coding-DNA position 760, C replaced by T.
Protein change: p.Leu254Phe; replaces leucine 254 with phenylalanine.
Molecular consequence: missense variant. On other transcripts: 5 prime UTR variant (1).
Genome position (GRCh38, 1-based): chr11:68,043,860, C>T. VCF-style: chr11-68043860-C-T. GRCh37 (hg19) VCF-style: chr11-67811327-C-T.
Other names: c.-135C>T (NM_001351059.2); c.112C>T, p.Leu38Phe (NM_006053.4); c.760C>T (NM_006019.3); short protein forms L254F, L38F.
Identifiers: ClinVar variation 1504713 (VCV001504713.4), dbSNP rs569142867, ClinGen allele CA6146811.

ClinVar aggregate classification (germline): Uncertain significance. Review status: criteria provided, multiple submitters, no conflicts (2 of 4 stars). 2 submissions from 2 submitters: Uncertain significance (2). Last evaluated 2023-10-03.

Conditions:
Inborn genetic diseases. Identifiers: MedGen C0950123, MeSH D030342.

Allele frequency attached by ClinVar (database versions not stated): gnomAD 0.00001; TOPMed below 0.00001; 1000 Genomes Project 30x 0.00016; gnomAD exomes 0.00002; 1000 Genomes Project 0.00020.
gnomAD v4.1: 7 of 1,569,644 alleles (0.00045%); highest among the groups gnomAD compares: East Asian, 0.012%; no homozygotes.

Submissions (2):

Ambry Genetics
Classification: Uncertain significance for Inborn genetic diseases. Last evaluated: 2023-10-03. Review status: criteria provided, single submitter. Criteria: Ambry Variant Classification Scheme 2023. Collection method: clinical testing. Allele origin: germline.

Labcorp Genetics (formerly Invitae), Labcorp
Classification: Uncertain significance. Last evaluated: 2021-11-04. Review status: criteria provided, single submitter. Criteria: Invitae Variant Classification Sherloc (09022015). Collection method: clinical testing. Allele origin: germline.
Comment: This sequence change replaces leucine, which is neutral and non-polar, with phenylalanine, which is neutral and non-polar, at codon 254 of the TCIRG1 protein (p.Leu254Phe). This variant is present in population databases (rs569142867, gnomAD 0.02%). This variant has not been reported in the literature in individuals affected with TCIRG1-related conditions. Algorithms developed to predict the effect of missense changes on protein structure and function (SIFT, PolyPhen-2, Align-GVGD) all suggest that this variant is likely to be tolerated. In summary, the available evidence is currently insufficient to determine the role of this variant in disease. Therefore, it has been classified as a Variant of Uncertain Significance.